The following is an entry in ClinVar:

ClinVar aggregate classification (germline): Uncertain significance. Review status: criteria provided, multiple submitters, no conflicts (2 of 4 stars). 3 submissions from 3 submitters: Uncertain significance (3). Last evaluated 2025-08-11.

Conditions:
Inborn genetic diseases. Identifiers: MedGen C0950123, MeSH D030342.
Leber congenital amaurosis 3 (LCA3). Also called: SPATA7-Related Retinitis Pigmentosa. Identifiers: MedGen C1858677, MONDO:0011415, OMIM 604232.

Allele frequency attached by ClinVar (database versions not stated): gnomAD exomes below 0.00001; ExAC 0.00001; gnomAD 0.00005 and 0.00006; TOPMed 0.00006; ESP Exome Variant Server 0.00008.
gnomAD v4.1: 10 of 1,604,248 alleles (0.00062%); highest among the groups gnomAD compares: African/African-American, 0.013%; no homozygotes.

Submissions (3):

Ambry Genetics
Classification: Uncertain significance for Inborn genetic diseases. Last evaluated: 2025-08-11. Review status: criteria provided, single submitter. Criteria: Ambry Variant Classification Scheme 2023. Collection method: clinical testing. Allele origin: germline.

Labcorp Genetics (formerly Invitae), Labcorp
Classification: Uncertain significance for Leber congenital amaurosis 3. Last evaluated: 2024-10-22. Review status: criteria provided, single submitter. Criteria: Invitae Variant Classification Sherloc (09022015). Collection method: clinical testing. Allele origin: germline.
Comment: This sequence change replaces asparagine, which is neutral and polar, with aspartic acid, which is acidic and polar, at codon 386 of the SPATA7 protein (p.Asn386Asp). This variant is present in population databases (rs138211483, gnomAD 0.02%). This variant has not been reported in the literature in individuals affected with SPATA7-related conditions. ClinVar contains an entry for this variant (Variation ID: 1359368). Invitae Evidence Modeling of protein sequence and biophysical properties (such as structural, functional, and spatial information, amino acid conservation, physicochemical variation, residue mobility, and thermodynamic stability) indicates that this missense variant is not expected to disrupt SPATA7 protein function with a negative predictive value of 80%. In summary, the available evidence is currently insufficient to determine the role of this variant in disease. Therefore, it has been classified as a Variant of Uncertain Significance.

Blueprint Genetics
Classification: Uncertain significance. Last evaluated: 2018-08-22. Review status: criteria provided, single submitter. Criteria: ACMG Guidelines, 2015. Collection method: clinical testing. Allele origin: germline.

NM_018418.5(SPATA7):c.1156A>G (p.Asn386Asp)

Gene: SPATA7 (spermatogenesis associated 7; plus strand). Cytogenetic location: 14q31.3.
Variant type: single nucleotide variant.
Coding change: c.1156A>G on transcript NM_018418.5 (MANE Select); coding-DNA position 1156, A replaced by G.
Protein change: p.Asn386Asp; replaces asparagine 386 with aspartic acid.
Molecular consequence: missense variant.
Genome position (GRCh38, 1-based): chr14:88,433,208, A>G. VCF-style: chr14-88433208-A-G. GRCh37 (hg19) VCF-style: chr14-88899552-A-G.
Other names: c.1156A>G (NM_018418.4); c.1060A>G, p.Asn354Asp (NM_001040428.4); short protein forms N354D, N386D.
Identifiers: ClinVar variation 1359368 (VCV001359368.9), dbSNP rs138211483, ClinGen allele CA7298737.